The following is an entry in ClinVar:

NM_016222.4(DDX41):c.1225A>G (p.Ile409Val)

Gene: DDX41 (DEAD-box helicase 41; minus strand). Cytogenetic location: 5q35.3.
Variant type: single nucleotide variant.
Coding change: c.1225A>G on transcript NM_016222.4 (MANE Select); coding-DNA position 1225, A replaced by G.
Protein change: p.Ile409Val; replaces isoleucine 409 with valine.
Molecular consequence: missense variant.
Genome position (GRCh38, 1-based): chr5:177,513,358, T>C on the plus strand (A>G on the coding strand, the complement: DDX41 is on the minus strand). VCF-style: chr5-177513358-T-C. GRCh37 (hg19) VCF-style: chr5-176940359-T-C.
Other names: c.1225A>G (NM_016222.2); c.847A>G, p.Ile283Val (NM_001321732.2, NM_001321830.2); short protein forms I409V, I283V.
Identifiers: ClinVar variation 2997874 (VCV002997874.4), dbSNP rs752416266, ClinGen allele CA3584862.

ClinVar aggregate classification (germline): Uncertain significance. Review status: criteria provided, multiple submitters, no conflicts (2 of 4 stars). 2 submissions from 2 submitters: Uncertain significance (2). Last evaluated 2024-11-22.

Conditions:
Inborn genetic diseases. Identifiers: MedGen C0950123, MeSH D030342.

Allele frequency attached by ClinVar (database versions not stated): gnomAD exomes below 0.00001; ExAC 0.00001; gnomAD 0.00001.

Submissions (2):

Ambry Genetics
Classification: Uncertain significance for Inborn genetic diseases. Last evaluated: 2024-11-22. Review status: criteria provided, single submitter. Criteria: Ambry Variant Classification Scheme 2023. Collection method: clinical testing. Allele origin: germline.
Comment: The p.I409V variant (also known as c.1225A>G), located in coding exon 11 of the DDX41 gene, results from an A to G substitution at nucleotide position 1225. The isoleucine at codon 409 is replaced by valine, an amino acid with highly similar properties. This amino acid position is conserved. In addition, this alteration is predicted to be tolerated by in silico analysis. Based on the available evidence, the clinical significance of this variant remains unclear.

Labcorp Genetics (formerly Invitae), Labcorp
Classification: Uncertain significance. Last evaluated: 2023-05-16. Review status: criteria provided, single submitter. Criteria: Invitae Variant Classification Sherloc (09022015). Collection method: clinical testing. Allele origin: germline.
Comment: This variant has not been reported in the literature in individuals affected with DDX41-related conditions. This variant is present in population databases (rs752416266, gnomAD 0.005%). This sequence change replaces isoleucine, which is neutral and non-polar, with valine, which is neutral and non-polar, at codon 409 of the DDX41 protein (p.Ile409Val). An algorithm developed to predict the effect of missense changes on protein structure and function (PolyPhen-2) suggests that this variant is likely to be tolerated. In summary, the available evidence is currently insufficient to determine the role of this variant in disease. Therefore, it has been classified as a Variant of Uncertain Significance.